The following is an entry in ClinVar:

NM_014423.4(AFF4):c.3189A>G (p.Pro1063=)

Gene: AFF4 (ALF transcription elongation factor 4; minus strand). Cytogenetic location: 5q31.1.
Variant type: single nucleotide variant.
Coding change: c.3189A>G on transcript NM_014423.4 (MANE Select); coding-DNA position 3189, A replaced by G.
Protein change: p.Pro1063=; no amino-acid change (proline 1063 retained).
Molecular consequence: synonymous variant.
Genome position (GRCh38, 1-based): chr5:132,883,515, T>C on the plus strand (A>G on the coding strand, the complement: AFF4 is on the minus strand). VCF-style: chr5-132883515-T-C. GRCh37 (hg19) VCF-style: chr5-132219207-T-C.
Identifiers: ClinVar variation 4993451 (VCV004993451.1).
Genomic context (GRCh38, chr5:132,883,515, plus strand): 5'-CACTGAAGAACCACTTGCAGAAGCACTACTGGCCCCAGATGAATAATTTCCTGAATTGCC[T>C]GGTGACAGCTTTGGAGAAACAGGGGAAGGCATCCCCACAGCTTTGCTACACAACAGAAAT-3'
Protein context (NP_055238.1, residues 1053-1073): MPSPVSPKLS[Pro1063=]GNSGNYSSGA

ClinVar aggregate classification (germline): Likely benign (1 of 4 stars; one submission).

Conditions:
AFF4-related disorder. Also called: AFF4-related condition.

Submission:

PreventionGenetics, part of Exact Sciences
Classification: Likely benign for AFF4-related condition. Last evaluated: 2026-08-28. Review status: criteria provided, single submitter. Criteria: ACMG Guidelines, 2015. Collection method: clinical testing. Allele origin: germline.
Comment: This variant is classified as likely benign based on ACMG/AMP sequence variant interpretation guidelines (Richards et al. 2015 PMID: 25741868, with internal and published modifications).